The following is an entry in ClinVar:

NM_000372.5(TYR):c.680_682del (p.Gly227del)

Gene: TYR (tyrosinase; plus strand). Cytogenetic location: 11q14.3.
Variant type: Deletion.
Coding change: c.680_682del on transcript NM_000372.5 (MANE Select); coding-DNA positions 680 to 682, 3 bases deleted (GAG; older notation c.680_682delGAG).
Protein change: p.Gly227del; deletes glycine 227.
Molecular consequence: inframe deletion.
Genome position (GRCh38, 1-based): chr11:89,178,633-89,178,635, GAG deleted; deleting any 3 consecutive bases within chr11:89,178,631-89,178,635 gives the same sequence; the c. name uses the placement nearest the transcript's 3' end. VCF-style (leftmost placement, unchanged base first): chr11-89178630-CAGG-C. GRCh37 (hg19) VCF-style: chr11-88911798-CAGG-C.
Other names: short protein forms G227del.
Identifiers: ClinVar variation 99576 (VCV000099576.4), dbSNP rs61754366, ClinGen allele CA227581.

ClinVar aggregate classification (germline): Conflicting classifications of pathogenicity. Review status: criteria provided, conflicting classifications (1 of 4 stars). 3 submissions from 3 submitters: Likely pathogenic (1); Uncertain significance (1). 1 of the submissions does not count toward it. Last evaluated 2024-06-14.

Conditions:
TYR-related disorder. Also called: TYR-related condition.

Submissions (3):

Blueprint Genetics
Classification: Likely pathogenic for TYR-related disorders. Last evaluated: 2024-06-14. Review status: criteria provided, single submitter. Criteria: ACMG Guidelines, 2015. Collection method: clinical testing. Allele origin: germline. Affected: yes. Observed: 3 variant alleles.

Labcorp Genetics (formerly Invitae), Labcorp
Classification: Uncertain significance. Last evaluated: 2024-03-10. Review status: criteria provided, single submitter. Criteria: Invitae Variant Classification Sherloc (09022015). Collection method: clinical testing. Allele origin: germline.
Comment: This variant, c.680_682del, results in the deletion of 1 amino acid(s) of the TYR protein (p.Gly227del), but otherwise preserves the integrity of the reading frame. This variant is present in population databases (rs61754366, gnomAD 0.003%). This variant has been observed in individual(s) with oculocutaneous albinism (PMID: 11295837, 19060277). ClinVar contains an entry for this variant (Variation ID: 99576). Experimental studies and prediction algorithms are not available or were not evaluated, and the functional significance of this variant is currently unknown. In summary, the available evidence is currently insufficient to determine the role of this variant in disease. Therefore, it has been classified as a Variant of Uncertain Significance.

Retina International
No classification provided. Review status: no classification provided. Collection method: not provided. Allele origin: not provided. Not counted in ClinVar's aggregate classification.

Literature cited by the submitters: PubMed 11295837 (cited by Labcorp Genetics (formerly Invitae), Labcorp); PubMed 19060277 (cited by Labcorp Genetics (formerly Invitae), Labcorp).